The following is an entry in ClinVar:

NM_007289.4(MME):c.1032G>T (p.Val344=)

Gene: MME (membrane metalloendopeptidase; plus strand). Cytogenetic location: 3q25.2.
Variant type: single nucleotide variant.
Coding change: c.1032G>T on transcript NM_007289.4 (MANE Select); coding-DNA position 1032, G replaced by T.
Protein change: p.Val344=; no amino-acid change (valine 344 retained).
Molecular consequence: synonymous variant.
Genome position (GRCh38, 1-based): chr3:155,142,065, G>T. VCF-style: chr3-155142065-G-T. GRCh37 (hg19) VCF-style: chr3-154859854-G-T.
Other names: p.Val344=; c.1032G>T, p.Val344= (NM_000902.5, NM_001354642.2, NM_001354643.1 and 2 more transcripts); c.1032G>T (NM_007289.3).
Identifiers: ClinVar variation 723090 (VCV000723090.12), dbSNP rs138800488, ClinGen allele CA2675360.

ClinVar aggregate classification (germline): Benign/Likely benign. Review status: criteria provided, multiple submitters, no conflicts (2 of 4 stars). 4 submissions from 4 submitters: Benign (2); Likely benign (2). Last evaluated 2026-08-01.

Allele frequency attached by ClinVar (database versions not stated): gnomAD exomes 0.00108 and 0.00062; ExAC 0.00126; 1000 Genomes Project 0.00280; 1000 Genomes Project 30x 0.00281; ESP Exome Variant Server 0.00023; gnomAD 0.00041 and 0.00061; TOPMed 0.00046.
gnomAD v4.1: 1,006 of 1,613,686 alleles (0.062%); highest among the groups gnomAD compares: South Asian, 0.63%; 5 homozygotes.

Submissions (4):

CeGaT Center for Human Genetics Tuebingen
Classification: Likely benign. Last evaluated: 2026-08-01. Review status: criteria provided, single submitter. Criteria: CeGaT Center For Human Genetics Tuebingen Variant Classification Criteria Version 2. Collection method: clinical testing. Allele origin: germline. Affected: yes. Observed: 1 variant allele.
Comment: MME: BP4

Labcorp Genetics (formerly Invitae), Labcorp
Classification: Benign. Last evaluated: 2026-01-11. Review status: criteria provided, single submitter. Criteria: Invitae Variant Classification Sherloc (09022015). Collection method: clinical testing. Allele origin: germline.

Blueprint Genetics
Classification: Likely benign. Last evaluated: 2024-11-25. Review status: criteria provided, single submitter. Criteria: ACMG Guidelines, 2015. Collection method: clinical testing. Allele origin: germline.

Mayo Clinic Laboratories, Mayo Clinic
Classification: Benign. Last evaluated: 2024-08-22. Review status: criteria provided, single submitter. Criteria: ACMG Guidelines, 2015. Collection method: clinical testing. Allele origin: germline. Observed: 2 variant alleles.
Comment: BS1, BS2